The following is an entry in ClinVar:

ClinVar aggregate classification (germline): Uncertain significance. Review status: criteria provided, multiple submitters, no conflicts (2 of 4 stars). 2 submissions from 2 submitters: Uncertain significance (2). Last evaluated 2025-09-10.

Conditions:
Cardiovascular phenotype. Identifiers: MedGen CN230736.

Allele frequency attached by ClinVar (database versions not stated): ExAC 0.00003.

Submissions (2):

Labcorp Genetics (formerly Invitae), Labcorp
Classification: Uncertain significance. Last evaluated: 2025-09-10. Review status: criteria provided, single submitter. Criteria: Invitae Variant Classification Sherloc (09022015). Collection method: clinical testing. Allele origin: germline.
Comment: This sequence change replaces arginine, which is basic and polar, with tryptophan, which is neutral and slightly polar, at codon 1735 of the ALPK3 protein (p.Arg1735Trp). This variant is present in population databases (rs771052478, gnomAD 0.01%). This variant has not been reported in the literature in individuals affected with ALPK3-related conditions. ClinVar contains an entry for this variant (Variation ID: 2105784). Invitae Evidence Modeling of protein sequence and biophysical properties (such as structural, functional, and spatial information, amino acid conservation, physicochemical variation, residue mobility, and thermodynamic stability) indicates that this missense variant is expected to disrupt ALPK3 protein function with a positive predictive value of 80%. In summary, the available evidence is currently insufficient to determine the role of this variant in disease. Therefore, it has been classified as a Variant of Uncertain Significance.

Ambry Genetics
Classification: Uncertain significance for Cardiovascular phenotype. Last evaluated: 2025-06-28. Review status: criteria provided, single submitter. Criteria: Ambry Variant Classification Scheme 2023. Collection method: clinical testing. Allele origin: germline.
Comment: The p.R1735W variant (also known as c.5203C>T), located in coding exon 12 of the ALPK3 gene, results from a C to T substitution at nucleotide position 5203. The arginine at codon 1735 is replaced by tryptophan, an amino acid with dissimilar properties. This amino acid position is conserved. In addition, this alteration is predicted to be tolerated by in silico analysis. Based on the available evidence, the clinical significance of this variant remains unclear.

NM_020778.5(ALPK3):c.4597C>T (p.Arg1533Trp)

Gene: ALPK3 (alpha kinase 3; plus strand). Cytogenetic location: 15q25.3.
Variant type: single nucleotide variant.
Coding change: c.4597C>T on transcript NM_020778.5 (MANE Select); coding-DNA position 4597, C replaced by T.
Protein change: p.Arg1533Trp; replaces arginine 1533 with tryptophan.
Molecular consequence: missense variant.
Genome position (GRCh38, 1-based): chr15:84,864,539, C>T. VCF-style: chr15-84864539-C-T. GRCh37 (hg19) VCF-style: chr15-85407770-C-T.
Other names: c.5203C>T (NM_020778.4); short protein forms R1533W.
Identifiers: ClinVar variation 2105784 (VCV002105784.5), dbSNP rs771052478, ClinGen allele CA7710033.
Genomic context (GRCh38, chr15:84,864,539, plus strand): 5'-AATATCCCATATGCTACCCTGGAGGAAGACCTGGGCAAGCCCCTGGAGTCTTACTGTTCT[C>T]GGGAATGGGGCTGTGCTGAGGCTCCGACAGCATCTGGCAGCTCTGAGGCCATGCAGAAAT-3'
Protein context (NP_065829.4, residues 1523-1543): LGKPLESYCS[Arg1533Trp]EWGCAEAPTA